The following is an entry in ClinVar:

ClinVar aggregate classification (germline): Uncertain significance (1 of 4 stars; one submission).

Conditions:
Gingival disorder. Also called: Gingival disease. Identifiers: MedGen C0017563, MONDO:0002021.

Allele frequency attached by ClinVar (database versions not stated): gnomAD exomes 0.00001 and below 0.00001; TOPMed below 0.00001.
gnomAD v4.1: 4 of 1,613,846 alleles (0.00025%); highest among the groups gnomAD compares: Middle Eastern, 0.017%; no homozygotes.

Submission:

Labcorp Genetics (formerly Invitae), Labcorp
Classification: Uncertain significance for Gingival disorder. Last evaluated: 2022-02-03. Review status: criteria provided, single submitter. Criteria: Invitae Variant Classification Sherloc (09022015). Collection method: clinical testing. Allele origin: germline.
Comment: Algorithms developed to predict the effect of sequence changes on RNA splicing suggest that this variant may create or strengthen a splice site. In summary, the available evidence is currently insufficient to determine the role of this variant in disease. Therefore, it has been classified as a Variant of Uncertain Significance. Algorithms developed to predict the effect of missense changes on protein structure and function output the following: SIFT: "Tolerated"; PolyPhen-2: "Benign"; Align-GVGD: "Class C0". The arginine amino acid residue is found in multiple mammalian species, which suggests that this missense change does not adversely affect protein function. ClinVar contains an entry for this variant (Variation ID: 838179). This variant has not been reported in the literature in individuals affected with FPR1-related conditions. This variant is present in population databases (no rsID available, gnomAD 0.003%). This sequence change replaces glycine, which is neutral and non-polar, with arginine, which is basic and polar, at codon 14 of the FPR1 protein (p.Gly14Arg).

NM_002029.4(FPR1):c.40G>A (p.Gly14Arg)

Gene: FPR1 (formyl peptide receptor 1; minus strand). Cytogenetic location: 19q13.41.
Variant type: single nucleotide variant.
Coding change: c.40G>A on transcript NM_002029.4 (MANE Select); coding-DNA position 40, G replaced by A.
Protein change: p.Gly14Arg; replaces glycine 14 with arginine.
Molecular consequence: missense variant.
Genome position (GRCh38, 1-based): chr19:51,746,955, C>T on the plus strand (G>A on the coding strand, the complement: FPR1 is on the minus strand). VCF-style: chr19-51746955-C-T. GRCh37 (hg19) VCF-style: chr19-52250208-C-T.
Other names: c.40G>A, p.Gly14Arg (NM_001193306.2); short protein forms G14R.
Identifiers: ClinVar variation 838179 (VCV000838179.11), dbSNP rs1284082601, ClinGen allele CA407121494.